The following is an entry in ClinVar:

NM_001291746.2(REL):c.112G>A (p.Glu38Lys)

Gene: REL (REL proto-oncogene, NF-kB subunit; plus strand). Cytogenetic location: 2p16.1.
Variant type: single nucleotide variant.
Coding change: c.112G>A on transcript NM_001291746.2 (MANE Select); coding-DNA position 112, G replaced by A.
Protein change: p.Glu38Lys; replaces glutamic acid 38 with lysine.
Molecular consequence: missense variant.
Genome position (GRCh38, 1-based): chr2:60,891,784, G>A. VCF-style: chr2-60891784-G-A. GRCh37 (hg19) VCF-style: chr2-61118919-G-A.
Other names: c.112G>A, p.Glu38Lys (NM_002908.4); short protein forms E38K.
Identifiers: ClinVar variation 3701293 (VCV003701293.1).

ClinVar aggregate classification (germline): Uncertain significance (1 of 4 stars; one submission).

Submission:

Labcorp Genetics (formerly Invitae), Labcorp
Classification: Uncertain significance. Last evaluated: 2024-03-23. Review status: criteria provided, single submitter. Criteria: Invitae Variant Classification Sherloc (09022015). Collection method: clinical testing. Allele origin: germline.
Comment: This sequence change replaces glutamic acid, which is acidic and polar, with lysine, which is basic and polar, at codon 38 of the REL protein (p.Glu38Lys). This variant is present in population databases (rs771878037, gnomAD 0.003%). This variant has not been reported in the literature in individuals affected with REL-related conditions. An algorithm developed to predict the effect of missense changes on protein structure and function (PolyPhen-2) suggests that this variant is likely to be disruptive. In summary, the available evidence is currently insufficient to determine the role of this variant in disease. Therefore, it has been classified as a Variant of Uncertain Significance.